The following is an entry in ClinVar:

NM_000169.3(GLA):c.556C>T (p.His186Tyr)

Genes: RPL36A-HNRNPH2 (RPL36A-HNRNPH2 readthrough; plus strand), GLA (galactosidase alpha; minus strand). Cytogenetic location: Xq22.1.
Variant type: single nucleotide variant.
Coding change: c.556C>T on transcript NM_000169.3 (MANE Select); coding-DNA position 556, C replaced by T.
Protein change: p.His186Tyr; replaces histidine 186 with tyrosine.
Molecular consequence: missense variant. On other transcripts: non-coding transcript variant (2), intron variant (2).
Genome position (GRCh38, 1-based): chrX:101,400,749, G>A on the plus strand (C>T on the coding strand, the complement: GLA is on the minus strand). VCF-style: chrX-101400749-G-A. GRCh37 (hg19) VCF-style: chrX-100655737-G-A.
Other names: c.679C>T, p.His227Tyr (NM_001406747.1); c.556C>T, p.His186Tyr (NM_001406748.1); c.300+5292G>A (NM_001199973.2); c.177+8927G>A (NM_001199974.2); short protein forms H186Y, H227Y.
Identifiers: ClinVar variation 3655770 (VCV003655770.2).

ClinVar aggregate classification (germline): Uncertain significance (1 of 4 stars; one submission).

Conditions:
Fabry disease. Also called: Fabry's disease; ALPHA-GALACTOSIDASE A DEFICIENCY; ANDERSON-FABRY DISEASE; CERAMIDE TRIHEXOSIDASE DEFICIENCY; GLA DEFICIENCY; HEREDITARY DYSTOPIC LIPIDOSIS. Identifiers: Orphanet 324, MedGen C0002986, MONDO:0010526, OMIM 301500, HP:0001071. Disease mechanism: Fabry disease is due to inactivating mutations in the X-linked GLA gene resulting in deficiency of the enzyme Alpha Galactosidase-A., loss of function.

Submission:

Labcorp Genetics (formerly Invitae), Labcorp
Classification: Uncertain significance for Fabry disease. Last evaluated: 2025-04-26. Review status: criteria provided, single submitter. Criteria: Invitae Variant Classification Sherloc (09022015). Collection method: clinical testing. Allele origin: germline.
Comment: This sequence change replaces histidine, which is basic and polar, with tyrosine, which is neutral and polar, at codon 186 of the GLA protein (p.His186Tyr). This variant is not present in population databases (gnomAD no frequency). This variant has not been reported in the literature in individuals affected with GLA-related conditions. ClinVar contains an entry for this variant (Variation ID: 3655770). Invitae Evidence Modeling of protein sequence and biophysical properties (such as structural, functional, and spatial information, amino acid conservation, physicochemical variation, residue mobility, and thermodynamic stability) indicates that this missense variant is not expected to disrupt GLA protein function with a negative predictive value of 80%. In summary, the available evidence is currently insufficient to determine the role of this variant in disease. Therefore, it has been classified as a Variant of Uncertain Significance.